The following is an entry in ClinVar:

ClinVar aggregate classification (germline): Uncertain significance (1 of 4 stars; one submission).

Conditions:
ITPR1-related disorder. Also called: ITPR1-related condition.

Submission:

3billion
Classification: Uncertain significance for ITPR1-related disorder. Last evaluated: 2025-03-05. Review status: criteria provided, single submitter. Criteria: ACMG Guidelines, 2015. Collection method: clinical testing. Allele origin: germline. Affected: yes.
Comment: The variant is not observed in the gnomAD v4.1.0 dataset. Predicted Consequence/Location: Missense variant. Missense changes are a common disease-causing mechanism. Damaging effect on gene or gene product predicted by in silico programs is uncertain [REVEL: 0.36 (damaging >=0.6, benign <0.4), 3Cnet: 0.14 (damaging >=0.6, benign <0.15)]. Therefore, this variant is classified as VUS according to the recommendation of ACMG/AMP guideline.

NM_001378452.1(ITPR1):c.1014C>A (p.Asp338Glu)

Gene: ITPR1 (inositol 1,4,5-trisphosphate receptor type 1; plus strand). Cytogenetic location: 3p26.1.
Variant type: single nucleotide variant.
Coding change: c.1014C>A on transcript NM_001378452.1 (MANE Select); coding-DNA position 1014, C replaced by A.
Protein change: p.Asp338Glu; replaces aspartic acid 338 with glutamic acid.
Molecular consequence: missense variant.
Genome position (GRCh38, 1-based): chr3:4,658,141, C>A. VCF-style: chr3-4658141-C-A. GRCh37 (hg19) VCF-style: chr3-4699825-C-A.
Other names: c.1014C>A, p.Asp338Glu (NM_001099952.4); c.969C>A, p.Asp323Glu (NM_001168272.2, NM_002222.7); short protein forms D323E, D338E.
Identifiers: ClinVar variation 4292675 (VCV004292675.1).